The following is an entry in ClinVar:

NM_001136193.2(FASTKD2):c.*2069T>A

Gene: FASTKD2 (FAST kinase domains 2; plus strand). Cytogenetic location: 2q33.3.
Variant type: single nucleotide variant.
Coding change: c.*2069T>A on transcript NM_001136193.2 (MANE Select); 2069 bases downstream of the stop codon, T replaced by A.
Molecular consequence: 3 prime UTR variant.
Genome position (GRCh38, 1-based): chr2:206,793,871, T>A. VCF-style: chr2-206793871-T-A. GRCh37 (hg19) VCF-style: chr2-207658595-T-A.
Other names: c.*2069T>A (NM_001136194.2, NM_014929.4).
Identifiers: ClinVar variation 333837 (VCV000333837.5), dbSNP rs2193885, ClinGen allele CA10612618.

ClinVar aggregate classification (germline): Benign (1 of 4 stars; one submission).

Conditions:
Mitochondrial complex IV deficiency, nuclear type 1 (MC4DN1). Also called: COX DEFICIENCY; Mitochondrial complex IV deficiency; Complex 4 mitochondrial respiratory chain deficiency; Deficiency of mitochondrial respiratory chain complex4; Complex IV deficiency. Identifiers: MedGen C5435656, MONDO:0700250, OMIM 220110. Disease mechanism: loss of function.

Allele frequency attached by ClinVar (database versions not stated): 1000 Genomes Project 0.11362; 1000 Genomes Project 30x 0.11743; gnomAD 0.12058 and 0.12437; TOPMed 0.12762.
gnomAD v4.1: 18,239 of 152,214 alleles (12%); highest among the groups gnomAD compares: African/African-American, 25%; 1,582 homozygotes.

Submission:

Illumina Laboratory Services, Illumina
Classification: Benign for Mitochondrial complex IV deficiency, nuclear type 1. Last evaluated: 2018-01-12. Review status: criteria provided, single submitter. Criteria: ICSL Variant Classification Criteria 13 December 2019. Collection method: clinical testing. Allele origin: germline.
Comment: This variant was observed in the ICSL laboratory as part of a predisposition screen in an ostensibly healthy population. It had not been previously curated by ICSL or reported in the Human Gene Mutation Database (HGMD: prior to June 1st, 2018), and was therefore a candidate for classification through an automated scoring system. Utilizing variant allele frequency, disease prevalence and penetrance estimates, and inheritance mode, an automated score was calculated to assess if this variant is too frequent to cause the disease. Based on the score and internal cut-off values, a variant classified as benign is not then subjected to further curation. The score for this variant resulted in a classification of benign for this disease.